The following is an entry in ClinVar:

NM_016529.6(ATP8A2):c.1757G>A (p.Arg586Gln)

Gene: ATP8A2 (ATPase phospholipid transporting 8A2). Cytogenetic location: 13q12.13.
Variant type: single nucleotide variant.
Coding change: c.1757G>A on transcript NM_016529.6 (MANE Select); coding-DNA position 1757, G replaced by A.
Protein change: p.Arg586Gln; replaces arginine 586 with glutamine.
Molecular consequence: missense variant.
Genome position (GRCh38, 1-based): chr13:25,577,113, G>A. VCF-style: chr13-25577113-G-A. GRCh37 (hg19) VCF-style: chr13-26151251-G-A.
Other names: c.1637G>A, p.Arg546Gln (NM_001313741.1); c.1757G>A (NM_016529.4, NM_016529.5); short protein forms R546Q, R586Q.
Identifiers: ClinVar variation 1548174 (VCV001548174.12), dbSNP rs202089005, ClinGen allele CA6923056.
Genomic context (GRCh38, chr13:25,577,113, plus strand): 5'-TTTTTCACTCTCCCAGTGACAGAAAAAGAATGTCTGTAATTGTTCGAACTCCTTCAGGAC[G>A]ACTTCGGCTTTACTGTAAAGGGGCTGTAAGTACCGGAGAAGCGTTGTGCGTAGCGGAGTT-3'
Protein context (NP_057613.4, residues 576-596): MSVIVRTPSG[Arg586Gln]LRLYCKGADN

ClinVar aggregate classification (germline): Benign/Likely benign. Review status: criteria provided, multiple submitters, no conflicts (2 of 4 stars). 4 submissions from 4 submitters: Benign (2); Likely benign (1). 1 of the submissions does not count toward it. Last evaluated 2026-01-12.

Conditions:
Inborn genetic diseases. Identifiers: MedGen C0950123, MeSH D030342.
ATP8A2-related disorder. Also called: ATP8A2-related condition.

Allele frequency attached by ClinVar (database versions not stated): 1000 Genomes Project 30x 0.00031; ESP Exome Variant Server 0.00039; 1000 Genomes Project 0.00040; gnomAD 0.00053 and 0.00056; TOPMed 0.00056; ExAC 0.00059; gnomAD exomes 0.00063.
gnomAD v4.1: 1,019 of 1,613,842 alleles (0.063%); highest among the groups gnomAD compares: Admixed American, 0.085%; 1 homozygote.

Submissions (4):

Labcorp Genetics (formerly Invitae), Labcorp
Classification: Benign. Last evaluated: 2026-01-12. Review status: criteria provided, single submitter. Criteria: Invitae Variant Classification Sherloc (09022015). Collection method: clinical testing. Allele origin: germline.

Ambry Genetics
Classification: Likely benign for Inborn genetic diseases. Last evaluated: 2022-01-19. Review status: criteria provided, single submitter. Criteria: Ambry Variant Classification Scheme 2023. Collection method: clinical testing. Allele origin: germline.

Breakthrough Genomics
Classification: Benign. Review status: criteria provided, single submitter. Criteria: ACMG Guidelines, 2015. Collection method: not provided. Allele origin: germline. Inheritance: Autosomal recessive inheritance. Affected: yes.

PreventionGenetics, part of Exact Sciences
Classification: Likely benign for ATP8A2-related condition. Last evaluated: 2020-12-09. Review status: no assertion criteria provided. Collection method: clinical testing. Allele origin: germline. Not counted in ClinVar's aggregate classification.
Comment: This variant is classified as likely benign based on ACMG/AMP sequence variant interpretation guidelines (Richards et al. 2015 PMID: 25741868, with internal and published modifications).